The following is an entry in ClinVar:

ClinVar aggregate classification (germline): Uncertain significance. Review status: criteria provided, multiple submitters, no conflicts (2 of 4 stars). 2 submissions from 2 submitters: Uncertain significance (2). Last evaluated 2024-08-01.

gnomAD v4.1: 90 of 1,613,898 alleles (0.0056%); highest among the groups gnomAD compares: Non-Finnish European, 0.0069%; no homozygotes.

Submissions (2):

Ambry Genetics
Classification: Uncertain significance. Last evaluated: 2024-08-01. Review status: criteria provided, single submitter. Criteria: Ambry Variant Classification Scheme 2023. Collection method: clinical testing. Allele origin: germline.

Labcorp Genetics (formerly Invitae), Labcorp
Classification: Uncertain significance. Last evaluated: 2024-03-02. Review status: criteria provided, single submitter. Criteria: Invitae Variant Classification Sherloc (09022015). Collection method: clinical testing. Allele origin: germline.
Comment: This sequence change replaces alanine, which is neutral and non-polar, with valine, which is neutral and non-polar, at codon 249 of the FAT2 protein (p.Ala249Val). This variant is present in population databases (rs368835148, gnomAD 0.006%). This variant has not been reported in the literature in individuals affected with FAT2-related conditions. Algorithms developed to predict the effect of missense changes on protein structure and function output the following: SIFT: "Not Available"; PolyPhen-2: "Benign"; Align-GVGD: "Not Available". The valine amino acid residue is found in multiple mammalian species, which suggests that this missense change does not adversely affect protein function. In summary, the available evidence is currently insufficient to determine the role of this variant in disease. Therefore, it has been classified as a Variant of Uncertain Significance.

NM_001447.3(FAT2):c.746C>T (p.Ala249Val)

Gene: FAT2 (FAT atypical cadherin 2; minus strand). Cytogenetic location: 5q33.1.
Variant type: single nucleotide variant.
Coding change: c.746C>T on transcript NM_001447.3 (MANE Select); coding-DNA position 746, C replaced by T.
Protein change: p.Ala249Val; replaces alanine 249 with valine.
Molecular consequence: missense variant.
Genome position (GRCh38, 1-based): chr5:151,568,186, G>A on the plus strand (C>T on the coding strand, the complement: FAT2 is on the minus strand). VCF-style: chr5-151568186-G-A. GRCh37 (hg19) VCF-style: chr5-150947747-G-A.
Other names: short protein forms A249V.
Identifiers: ClinVar variation 3513228 (VCV003513228.3).